The following is an entry in ClinVar:

ClinVar aggregate classification (germline): Uncertain significance. Review status: criteria provided, multiple submitters, no conflicts (2 of 4 stars). 6 submissions from 6 submitters: Uncertain significance (6). Last evaluated 2025-03-24.

Conditions:
Hereditary breast ovarian cancer syndrome. Also called: Hereditary breast and ovarian cancer syndrome (HBOC); Hereditary breast and ovarian cancer syndrome; Breast and ovarian cancer; Hereditary breast and/or ovarian cancer syndrome; Hereditary breast and ovarian cancer; BRCA1- and BRCA2-Associated Hereditary Breast and Ovarian Cancer. Identifiers: Orphanet 145, MedGen C0677776, MeSH D061325, MONDO:0003582. Disease mechanism: loss of function.
Hereditary cancer-predisposing syndrome. Also called: Neoplastic Syndromes, Hereditary; Hereditary Cancer Syndrome; Hereditary neoplastic syndrome; Tumor predisposition. Identifiers: Orphanet 140162, MedGen C0027672, MeSH D009386, MONDO:0015356.

Allele frequency attached by ClinVar (database versions not stated): gnomAD exomes below 0.00001.
gnomAD v4.1: 2 of 1,583,206 alleles (0.00013%); highest among the groups gnomAD compares: South Asian, 0.0022%; no homozygotes.

Submissions (6):

Ambry Genetics
Classification: Uncertain significance for Hereditary cancer-predisposing syndrome. Last evaluated: 2025-03-24. Review status: criteria provided, single submitter. Criteria: Ambry Variant Classification Scheme 2023. Collection method: clinical testing. Allele origin: germline.
Comment: The p.K2302I variant (also known as c.6905A>T), located in coding exon 11 of the BRCA2 gene, results from an A to T substitution at nucleotide position 6905. The lysine at codon 2302 is replaced by isoleucine, an amino acid with dissimilar properties. This amino acid position is well conserved in available vertebrate species. In addition, the in silico prediction for this alteration is inconclusive. Based on the available evidence, the clinical significance of this variant remains unclear.

Center for Genomic Medicine, Rigshospitalet, Copenhagen University Hospital
Classification: Uncertain significance. Last evaluated: 2025-03-04. Review status: criteria provided, single submitter. Criteria: ACMG Guidelines, 2015. Collection method: clinical testing. Allele origin: germline.

Quest Diagnostics Nichols Institute San Juan Capistrano
Classification: Uncertain significance. Last evaluated: 2025-02-21. Review status: criteria provided, single submitter. Criteria: Quest Diagnostics criteria. Collection method: clinical testing. Allele origin: unknown.
Comment: The BRCA2 c.6905A>T (p.Lys2302Ile) variant has been reported in the published literature in individuals with prostate cancer (PMID: 36922933 (2022)).The frequency of this variant in the general population (Genome Aggregation Database) is uninformative in the assessment of its pathogenicity. Analysis of this variant using bioinformatics tools for the prediction of the effect of amino acid changes on protein structure and function yielded conflicting predictions that this variant is benign or damaging. Based on the available information, we are unable to determine the clinical significance of this variant.

Labcorp Genetics (formerly Invitae), Labcorp
Classification: Uncertain significance for Hereditary breast ovarian cancer syndrome. Last evaluated: 2024-04-22. Review status: criteria provided, single submitter. Criteria: Invitae Variant Classification Sherloc (09022015). Collection method: clinical testing. Allele origin: germline.
Comment: This sequence change replaces lysine, which is basic and polar, with isoleucine, which is neutral and non-polar, at codon 2302 of the BRCA2 protein (p.Lys2302Ile). This variant is present in population databases (no rsID available, gnomAD 0.003%). This variant has not been reported in the literature in individuals affected with BRCA2-related conditions. ClinVar contains an entry for this variant (Variation ID: 462420). Advanced modeling of protein sequence and biophysical properties (such as structural, functional, and spatial information, amino acid conservation, physicochemical variation, residue mobility, and thermodynamic stability) performed at Invitae indicates that this missense variant is not expected to disrupt BRCA2 protein function with a negative predictive value of 95%. In summary, the available evidence is currently insufficient to determine the role of this variant in disease. Therefore, it has been classified as a Variant of Uncertain Significance.

Clinical Genetics Laboratory, Skane University Hospital Lund
Classification: Uncertain significance. Last evaluated: 2024-02-29. Review status: criteria provided, single submitter. Criteria: ACMG Guidelines, 2015. Collection method: clinical testing. Allele origin: germline. Affected: yes.

Color Diagnostics, LLC DBA Color Health
Classification: Uncertain significance for Hereditary cancer-predisposing syndrome. Last evaluated: 2023-12-05. Review status: criteria provided, single submitter. Criteria: ACMG Guidelines, 2015. Collection method: clinical testing. Allele origin: germline.
Comment: This missense variant replaces lysine with isoleucine at codon 2302 of the BRCA2 protein. Computational prediction suggests that this variant may not impact protein structure and function (internally defined REVEL score threshold <= 0.5, PMID: 27666373). To our knowledge, functional studies have not been reported for this variant. This variant has not been reported in individuals affected with BRCA2-related disorders in the literature. This variant has been identified in 1/250168 chromosomes in the general population by the Genome Aggregation Database (gnomAD). The available evidence is insufficient to determine the role of this variant in disease conclusively. Therefore, this variant is classified as a Variant of Uncertain Significance.

Literature cited by the submitters: PubMed 36922933 (cited by Quest Diagnostics Nichols Institute San Juan Capistrano).

NM_000059.4(BRCA2):c.6905A>T (p.Lys2302Ile)

Gene: BRCA2 (BRCA2 DNA repair associated; plus strand). Cytogenetic location: 13q13.1.
Variant type: single nucleotide variant.
Coding change: c.6905A>T on transcript NM_000059.4 (MANE Select); coding-DNA position 6905, A replaced by T.
Protein change: p.Lys2302Ile; replaces lysine 2302 with isoleucine.
Molecular consequence: missense variant.
Genome position (GRCh38, 1-based): chr13:32,344,621, A>T. VCF-style: chr13-32344621-A-T. GRCh37 (hg19) VCF-style: chr13-32918758-A-T.
Other names: short protein forms K2302I.
Identifiers: ClinVar variation 462420 (VCV000462420.21), dbSNP rs1212600749, ClinGen allele CA387792869.